The following is an entry in ClinVar:

ClinVar aggregate classification (germline): Uncertain significance (1 of 4 stars; one submission).

Conditions:
Inborn genetic diseases. Identifiers: MedGen C0950123, MeSH D030342.

Submission:

Ambry Genetics
Classification: Uncertain significance for Inborn genetic diseases. Last evaluated: 2025-11-11. Review status: criteria provided, single submitter. Criteria: Ambry Variant Classification Scheme 2023. Collection method: clinical testing. Allele origin: germline.
Comment: The p.S664C variant (also known as c.1990A>T), located in coding exon 13 of the ASXL1 gene, results from an A to T substitution at nucleotide position 1990. The serine at codon 664 is replaced by cysteine, an amino acid with dissimilar properties. This amino acid position is conserved. In addition, this alteration is predicted to be tolerated by in silico analysis. Based on the available evidence, the clinical significance of this variant remains unclear.

NM_015338.6(ASXL1):c.1990A>T (p.Ser664Cys)

Gene: ASXL1 (ASXL transcriptional regulator 1; plus strand). Cytogenetic location: 20q11.21.
Variant type: single nucleotide variant.
Coding change: c.1990A>T on transcript NM_015338.6 (MANE Select); coding-DNA position 1990, A replaced by T.
Protein change: p.Ser664Cys; replaces serine 664 with cysteine.
Molecular consequence: missense variant.
Genome position (GRCh38, 1-based): chr20:32,434,702, A>T. VCF-style: chr20-32434702-A-T. GRCh37 (hg19) VCF-style: chr20-31022505-A-T.
Other names: c.1807A>T, p.Ser603Cys (NM_001363734.1); short protein forms S603C, S664C.
Identifiers: ClinVar variation 4588537 (VCV004588537.1).